The following is an entry in ClinVar:

NM_006231.4(POLE):c.4657T>C (p.Phe1553Leu)

Gene: POLE (DNA polymerase epsilon, catalytic subunit; minus strand). Cytogenetic location: 12q24.33.
Variant type: single nucleotide variant.
Coding change: c.4657T>C on transcript NM_006231.4 (MANE Select); coding-DNA position 4657, T replaced by C.
Protein change: p.Phe1553Leu; replaces phenylalanine 1553 with leucine.
Molecular consequence: missense variant.
Genome position (GRCh38, 1-based): chr12:132,642,891, A>G on the plus strand (T>C on the coding strand, the complement: POLE is on the minus strand). VCF-style: chr12-132642891-A-G. GRCh37 (hg19) VCF-style: chr12-133219477-A-G.
Other names: short protein forms F1553L.
Identifiers: ClinVar variation 577319 (VCV000577319.8), dbSNP rs1565938308, ClinGen allele CA387378972.

ClinVar aggregate classification (germline): Uncertain significance (1 of 4 stars; one submission).

Allele frequency attached by ClinVar (database versions not stated): gnomAD exomes below 0.00001.

Submission:

Labcorp Genetics (formerly Invitae), Labcorp
Classification: Uncertain significance. Last evaluated: 2022-12-20. Review status: criteria provided, single submitter. Criteria: Invitae Variant Classification Sherloc (09022015). Collection method: clinical testing. Allele origin: germline.
Comment: ClinVar contains an entry for this variant (Variation ID: 577319). Advanced modeling of protein sequence and biophysical properties (such as structural, functional, and spatial information, amino acid conservation, physicochemical variation, residue mobility, and thermodynamic stability) has been performed at Invitae for this missense variant, however the output from this modeling did not meet the statistical confidence thresholds required to predict the impact of this variant on POLE protein function. This variant has not been reported in the literature in individuals affected with POLE-related conditions. In summary, the available evidence is currently insufficient to determine the role of this variant in disease. Therefore, it has been classified as a Variant of Uncertain Significance. This sequence change replaces phenylalanine, which is neutral and non-polar, with leucine, which is neutral and non-polar, at codon 1553 of the POLE protein (p.Phe1553Leu). This variant is not present in population databases (gnomAD no frequency).